The following is an entry in ClinVar:

NM_001197104.2(KMT2A):c.5880G>A (p.Met1960Ile)

Gene: KMT2A (lysine methyltransferase 2A; plus strand). Cytogenetic location: 11q23.3.
Variant type: single nucleotide variant.
Coding change: c.5880G>A on transcript NM_001197104.2 (MANE Select); coding-DNA position 5880, G replaced by A.
Protein change: p.Met1960Ile; replaces methionine 1960 with isoleucine.
Molecular consequence: missense variant.
Genome position (GRCh38, 1-based): chr11:118,498,447, G>A. VCF-style: chr11-118498447-G-A. GRCh37 (hg19) VCF-style: chr11-118369162-G-A.
Other names: c.5970G>A, p.Met1990Ile (NM_001412597.1); c.5871G>A, p.Met1957Ile (NM_005933.4); short protein forms M1957I, M1960I, M1990I.
Identifiers: ClinVar variation 2749089 (VCV002749089.3), dbSNP rs2134367019, ClinGen allele CA382798817.
Genomic context (GRCh38, chr11:118,498,447, plus strand): 5'-AAAGCCAGGAGCCACCGTGGGTTGCTGTCTCACATCCTGCACCAGCAACTATCACTTCAT[G>A]TGTTCCCGAGCCAAGAACTGTGTCTTTCTGGATGATAAAAAAGTATATTGCCAACGACAT-3'
Protein context (NP_001184033.1, residues 1950-1970): LTSCTSNYHF[Met1960Ile]CSRAKNCVFL

ClinVar aggregate classification (germline): Uncertain significance (1 of 4 stars; one submission).

Submission:

Labcorp Genetics (formerly Invitae), Labcorp
Classification: Uncertain significance. Last evaluated: 2023-08-01. Review status: criteria provided, single submitter. Criteria: Invitae Variant Classification Sherloc (09022015). Collection method: clinical testing. Allele origin: germline.
Comment: This variant has not been reported in the literature in individuals affected with KMT2A-related conditions. This variant is not present in population databases (gnomAD no frequency). This sequence change replaces methionine, which is neutral and non-polar, with isoleucine, which is neutral and non-polar, at codon 1960 of the KMT2A protein (p.Met1960Ile). In summary, the available evidence is currently insufficient to determine the role of this variant in disease. Therefore, it has been classified as a Variant of Uncertain Significance. Advanced modeling of protein sequence and biophysical properties (such as structural, functional, and spatial information, amino acid conservation, physicochemical variation, residue mobility, and thermodynamic stability) performed at Invitae indicates that this missense variant is not expected to disrupt KMT2A protein function.